The following is an entry in ClinVar:

NM_078629.4(MSL3):c.1171+1376_1171+1379del

Gene: MSL3 (MSL complex subunit 3; plus strand). Cytogenetic location: Xp22.2.
Variant type: Microsatellite.
Coding change: c.1171+1376_1171+1379del on transcript NM_078629.4 (MANE Select); bases 1376 to 1379 of the intron after coding-DNA position 1171, 4 bases deleted (GAGA; older notation c.1171+1376_1171+1379delGAGA).
Molecular consequence: intron variant. On other transcripts: 3 prime UTR variant (1).
Genome position (GRCh38, 1-based): chrX:11,767,105-11,767,108, GAGA deleted; deleting any 4 consecutive bases within chrX:11,767,103-11,767,108 gives the same sequence; the c. name uses the placement nearest the transcript's 3' end. VCF-style (leftmost placement, unchanged base first): chrX-11767102-TGAGA-T. GRCh37 (hg19) VCF-style: chrX-11785221-TGAGA-T.
Other names: c.*1294GA[1] (NM_078628.2); c.724+1376_724+1379del (NM_001282174.1); c.1135+1376_1135+1379del (NM_001193270.2); c.673+1376_673+1379del (NM_006800.4).
Identifiers: ClinVar variation 3389596 (VCV003389596.14).

ClinVar aggregate classification (germline): Likely benign (1 of 4 stars; one submission).

Submission:

CeGaT Center for Human Genetics Tuebingen
Classification: Likely benign. Last evaluated: 2024-09-01. Review status: criteria provided, single submitter. Criteria: CeGaT Center For Human Genetics Tuebingen Variant Classification Criteria Version 2. Collection method: clinical testing. Allele origin: germline. Affected: yes. Observed: 1 variant allele.
Comment: MSL3: BS2